The following is an entry in ClinVar:

NM_033400.3(ZFHX2):c.5859C>G (p.Gly1953=)

Genes: THTPA (thiamine triphosphatase; plus strand), ZFHX2 (zinc finger homeobox 2; minus strand). Cytogenetic location: 14q11.2.
Variant type: single nucleotide variant.
Coding change: c.5859C>G on transcript NM_033400.3 (MANE Select); coding-DNA position 5859, C replaced by G.
Protein change: p.Gly1953=; no amino-acid change (glycine 1953 retained).
Molecular consequence: synonymous variant.
Genome position (GRCh38, 1-based): chr14:23,524,083, G>C on the plus strand (C>G on the coding strand, the complement: ZFHX2 is on the minus strand). VCF-style: chr14-23524083-G-C. GRCh37 (hg19) VCF-style: chr14-23993292-G-C.
Identifiers: ClinVar variation 3033756 (VCV003033756.2), dbSNP rs149833290, ClinGen allele CA7116863.
Genomic context (GRCh38, chr14:23,524,083, plus strand): 5'-AAGCGTGGCAGTGGGGTAGGGAAAAGCAGGTGCTTCCCTCTTTGGGGCTTCCCTCCCAGT[G>C]CCATCATCTACCTTGCCTAATAAGAGGTTGAACTTGGGCAAGGATGCAGGGGTGGCTGTG-3'
Protein context (NP_207646.2, residues 1943-1963): FNLLLGKVDD[Gly1953=]TGREAPKREA

ClinVar aggregate classification (germline): Benign (0 of 4 stars; one submission).

Conditions:
ZFHX2-related disorder. Also called: ZFHX2-related condition.

Allele frequency attached by ClinVar (database versions not stated): gnomAD exomes 0.00124; ExAC 0.00302; gnomAD 0.01157; 1000 Genomes Project 0.01338; TOPMed 0.01370; 1000 Genomes Project 30x 0.01421.
gnomAD v4.1: 3,558 of 1,527,576 alleles (0.23%); highest among the groups gnomAD compares: African/African-American, 4.1%; 66 homozygotes.

Submission:

PreventionGenetics, part of Exact Sciences
Classification: Benign for ZFHX2-related condition. Last evaluated: 2020-01-03. Review status: no assertion criteria provided. Collection method: clinical testing. Allele origin: germline.
Comment: This variant is classified as benign based on ACMG/AMP sequence variant interpretation guidelines (Richards et al. 2015 PMID: 25741868, with internal and published modifications).